The following is an entry in ClinVar:

ClinVar aggregate classification (germline): Uncertain significance (1 of 4 stars; one submission).

Conditions:
Malignant hyperthermia, susceptibility to, 1 (MHS1). Also called: Anesthesia related hyperthermia; Malignant hyperpyrexia; Fulminating hyperpyrexia; Pharmacogenic myopathy; RYR1-Related Malignant Hyperthermia Susceptibility; Malignant hyperthermia suceptibility 1. Identifiers: Orphanet 423, MedGen C2930980, MONDO:0007783, OMIM 145600.

Allele frequency attached by ClinVar (database versions not stated): gnomAD exomes below 0.00001.
gnomAD v4.1: 2 of 1,613,458 alleles (0.00012%); highest among the groups gnomAD compares: Non-Finnish European, 0.00017%; no homozygotes.

Submission:

All of Us Research Program, National Institutes of Health
Classification: Uncertain significance for Malignant hyperthermia, susceptibility to, 1. Last evaluated: 2023-05-16. Review status: criteria provided, single submitter. Criteria: ACMG Guidelines, 2015. Collection method: clinical testing. Allele origin: germline. Inheritance: Autosomal dominant inheritance. Observed: 1 variant allele, 1 heterozygote.
Comment: This missense variant replaces aspartic acid with asparagine at codon 2274 of the RYR1 protein. Computational prediction suggests that this variant may have deleterious impact on protein structure and function (internally defined REVEL score threshold >= 0.7, PMID: 27666373). To our knowledge, functional studies have not been reported for this variant. This variant has not been reported in individuals affected with RYR1-related disorders in the literature. This variant has not been identified in the general population by the Genome Aggregation Database (gnomAD). The available evidence is insufficient to determine the role of this variant in disease conclusively. Therefore, this variant is classified as a Variant of Uncertain Significance.

This study involves interpretation of variants in research participants for the purpose of population health screening. Participant phenotype was not available at the time of variant classification. Additional details can be found in publication PMID: 35346344, PMCID: PMC8962531

NM_000540.3(RYR1):c.6820G>A (p.Asp2274Asn)

Gene: RYR1 (ryanodine receptor 1; plus strand). Cytogenetic location: 19q13.2.
Variant type: single nucleotide variant.
Coding change: c.6820G>A on transcript NM_000540.3 (MANE Select); coding-DNA position 6820, G replaced by A.
Protein change: p.Asp2274Asn; replaces aspartic acid 2274 with asparagine.
Molecular consequence: missense variant.
Genome position (GRCh38, 1-based): chr19:38,496,883, G>A. VCF-style: chr19-38496883-G-A. GRCh37 (hg19) VCF-style: chr19-38987523-G-A.
Other names: c.6820G>A, p.Asp2274Asn (NM_001042723.2); short protein forms D2274N.
Identifiers: ClinVar variation 3070992 (VCV003070992.1), dbSNP rs2514294301, ClinGen allele CA405666499.